The following is an entry in ClinVar:

ClinVar aggregate classification (germline): Uncertain significance (1 of 4 stars; one submission).

Conditions:
Cystic fibrosis (CF). Also called: MUCOVISCIDOSIS. Identifiers: Orphanet 586, MedGen C0010674, MONDO:0009061, OMIM 219700. Disease mechanism: loss of function.

Allele frequency attached by ClinVar (database versions not stated): TOPMed 0.00003.
gnomAD v4.1: 1 of 1,443,738 alleles (0.000069%); highest among the groups gnomAD compares: East Asian, 0.0023%; no homozygotes.

Submission:

Ambry Genetics
Classification: Uncertain significance for Cystic fibrosis. Last evaluated: 2023-09-09. Review status: criteria provided, single submitter. Criteria: Ambry Variant Classification Scheme 2023. Collection method: clinical testing. Allele origin: germline.
Comment: The p.D373Y variant (also known as c.1117G>T) is located in coding exon 9 of the CFTR gene. The aspartic acid at codon 373 is replaced by tyrosine, an amino acid with highly dissimilar properties. This change occurs in the first base pair of coding exon 9. This amino acid position is conserved. In addition, this alteration is predicted to be deleterious by in silico analysis. Since supporting evidence is limited at this time, the clinical significance of this alteration remains unclear.

NM_000492.4(CFTR):c.1117G>T (p.Asp373Tyr)

Gene: CFTR (CF transmembrane conductance regulator; plus strand). Cytogenetic location: 7q31.2.
Variant type: single nucleotide variant.
Coding change: c.1117G>T on transcript NM_000492.4 (MANE Select); coding-DNA position 1117, G replaced by T.
Protein change: p.Asp373Tyr; replaces aspartic acid 373 with tyrosine.
Molecular consequence: missense variant.
Genome position (GRCh38, 1-based): chr7:117,542,016, G>T. VCF-style: chr7-117542016-G-T. GRCh37 (hg19) VCF-style: chr7-117182070-G-T.
Other names: short protein forms D373Y.
Identifiers: ClinVar variation 1796640 (VCV001796640.3), dbSNP rs556880586, ClinGen allele CA368979766.